The following is an entry in ClinVar:

ClinVar aggregate classification (germline): Uncertain significance (1 of 4 stars; one submission).

gnomAD v4.1: 1 of 1,589,678 alleles (0.000063%); highest among the groups gnomAD compares: Admixed American, 0.0017%; no homozygotes.

Submission:

Labcorp Genetics (formerly Invitae), Labcorp
Classification: Uncertain significance. Last evaluated: 2025-01-05. Review status: criteria provided, single submitter. Criteria: Invitae Variant Classification Sherloc (09022015). Collection method: clinical testing. Allele origin: germline.
Comment: This sequence change affects codon 2939 of the HMCN1 mRNA. It is a 'silent' change, meaning that it does not change the encoded amino acid sequence of the HMCN1 protein. This variant is not present in population databases (gnomAD no frequency). This variant has not been reported in the literature in individuals affected with HMCN1-related conditions. Algorithms developed to predict the effect of sequence changes on RNA splicing suggest that this variant may disrupt the consensus splice site. In summary, the available evidence is currently insufficient to determine the role of this variant in disease. Therefore, it has been classified as a Variant of Uncertain Significance.

NM_031935.3(HMCN1):c.8817C>T (p.Gly2939=)

Gene: HMCN1 (hemicentin 1; plus strand). Cytogenetic location: 1q31.1.
Variant type: single nucleotide variant.
Coding change: c.8817C>T on transcript NM_031935.3 (MANE Select); coding-DNA position 8817, C replaced by T.
Protein change: p.Gly2939=; no amino-acid change (glycine 2939 retained).
Molecular consequence: synonymous variant.
Genome position (GRCh38, 1-based): chr1:186,082,894, C>T. VCF-style: chr1-186082894-C-T. GRCh37 (hg19) VCF-style: chr1-186052026-C-T.
Identifiers: ClinVar variation 3699038 (VCV003699038.2).